The following is an entry in ClinVar:

NM_138409.4(MRAP2):c.335C>T (p.Ser112Phe)

Gene: MRAP2 (melanocortin 2 receptor accessory protein 2; plus strand). Cytogenetic location: 6q14.2.
Variant type: single nucleotide variant.
Coding change: c.335C>T on transcript NM_138409.4 (MANE Select); coding-DNA position 335, C replaced by T.
Protein change: p.Ser112Phe; replaces serine 112 with phenylalanine.
Molecular consequence: missense variant.
Genome position (GRCh38, 1-based): chr6:84,089,198, C>T. VCF-style: chr6-84089198-C-T. GRCh37 (hg19) VCF-style: chr6-84798917-C-T.
Other names: c.77C>T, p.Ser26Phe (NM_001346541.2); c.335C>T, p.Ser112Phe (NM_001346542.2, NM_001346544.2); c.170C>T, p.Ser57Phe (NM_001346543.2); short protein forms S112F, S26F, S57F.
Identifiers: ClinVar variation 3345715 (VCV003345715.1).

ClinVar aggregate classification (germline): Uncertain significance (0 of 4 stars; one submission).

Conditions:
MRAP2-related disorder. Also called: MRAP2-related condition.

gnomAD v4.1: 4 of 1,614,162 alleles (0.00025%); highest among the groups gnomAD compares: Non-Finnish European, 0.00034%; no homozygotes.

Submission:

PreventionGenetics, part of Exact Sciences
Classification: Uncertain significance for MRAP2-related condition. Last evaluated: 2024-09-25. Review status: no assertion criteria provided. Collection method: clinical testing. Allele origin: germline.
Comment: The MRAP2 c.335C>T variant is predicted to result in the amino acid substitution p.Ser112Phe. To our knowledge, this variant has not been reported in the literature or in a large population database, indicating this variant is rare. At this time, the clinical significance of this variant is uncertain due to the absence of conclusive functional and genetic evidence.